The following is an entry in ClinVar:

ClinVar aggregate classification (germline): Uncertain significance (1 of 4 stars; one submission).

Submission:

Dasa
Classification: Uncertain significance. Last evaluated: 2024-10-08. Review status: criteria provided, single submitter. Criteria: DASA Assertion Criteria. Collection method: clinical testing. Allele origin: germline.
Comment: NM_001080517.3(SETD5):c.527C>T (p.Pro176Leu) is a missense variant that results in the substitution of proline with leucine. This variant is absent from population databases. Computational prediction algorithms are consistent with a benign effect. The currently available literature and clinical evidence are not sufficient to establish a definitive association between this variant and the reported condition. Therefore, this variant is classified as a variant of uncertain significance.

NM_001080517.3(SETD5):c.527C>T (p.Pro176Leu)

Gene: SETD5 (SET domain containing 5; plus strand). Cytogenetic location: 3p25.3.
Variant type: single nucleotide variant.
Coding change: c.527C>T on transcript NM_001080517.3 (MANE Select); coding-DNA position 527, C replaced by T.
Protein change: p.Pro176Leu; replaces proline 176 with leucine.
Molecular consequence: missense variant.
Genome position (GRCh38, 1-based): chr3:9,435,866, C>T. VCF-style: chr3-9435866-C-T. GRCh37 (hg19) VCF-style: chr3-9477550-C-T.
Other names: c.194C>T, p.Pro65Leu (NM_001292043.2, NM_001349451.2); c.584C>T, p.Pro195Leu (NM_001437633.1, NM_001437635.1); c.527C>T, p.Pro176Leu (NM_001437643.1, NM_001437701.1); short protein forms P176L, P195L, P65L.
Identifiers: ClinVar variation 4882179 (VCV004882179.2).